The following is an entry in ClinVar:

NM_001082486.2(ACD):c.746C>G (p.Pro249Arg)

Gene: ACD (ACD shelterin complex subunit and telomerase recruitment factor; minus strand). Cytogenetic location: 16q22.1.
Variant type: single nucleotide variant.
Coding change: c.746C>G on transcript NM_001082486.2 (MANE Select); coding-DNA position 746, C replaced by G.
Protein change: p.Pro249Arg; replaces proline 249 with arginine.
Molecular consequence: missense variant. On other transcripts: intron variant (1).
Genome position (GRCh38, 1-based): chr16:67,658,638, G>C on the plus strand (C>G on the coding strand, the complement: ACD is on the minus strand). VCF-style: chr16-67658638-G-C. GRCh37 (hg19) VCF-style: chr16-67692541-G-C.
Other names: c.737C>G, p.Pro246Arg (NM_022914.3); c.742+82C>G (NM_001410884.1); short protein forms P246R, P249R.
Identifiers: ClinVar variation 3480464 (VCV003480464.1).
Genomic context (GRCh38, chr16:67,658,638, plus strand): 5'-GGAGAGGCTATGAGGGTCAGAGATAGGTCCTGCAGAGCCGGGTCTGGTGGGGGCAGCTCA[G>C]GGCCTGGGGGGTTCAGGAAGTCTTATCAGCACTGTGGACCTGGGCCCCAGGTATCCCCCC-3'
Protein context (NP_001075955.2, residues 239-259): SLGPCQRTQG[Pro249Arg]ELPPPDPALQ

ClinVar aggregate classification (germline): Uncertain significance (1 of 4 stars; one submission).

Conditions:
Inborn genetic diseases. Identifiers: MedGen C0950123, MeSH D030342.

Submission:

Ambry Genetics
Classification: Uncertain significance for Inborn genetic diseases. Last evaluated: 2024-10-21. Review status: criteria provided, single submitter. Criteria: Ambry Variant Classification Scheme 2023. Collection method: clinical testing. Allele origin: germline.
Comment: The p.P335R variant (also known as c.1004C>G), located in coding exon 9 of the ACD gene, results from a C to G substitution at nucleotide position 1004. The proline at codon 335 is replaced by arginine, an amino acid with dissimilar properties. This amino acid position is conserved. In addition, this alteration is predicted to be tolerated by in silico analysis. Based on the available evidence, the clinical significance of this variant remains unclear.